The following is an entry in ClinVar:

NM_000368.5(TSC1):c.41T>C (p.Leu14Pro)

Gene: TSC1 (TSC complex subunit 1; minus strand). Cytogenetic location: 9q34.13.
Variant type: single nucleotide variant.
Coding change: c.41T>C on transcript NM_000368.5 (MANE Select); coding-DNA position 41, T replaced by C.
Protein change: p.Leu14Pro; replaces leucine 14 with proline.
Molecular consequence: missense variant. On other transcripts: 5 prime UTR variant (16), non-coding transcript variant (5), intron variant (2).
Genome position (GRCh38, 1-based): chr9:132,928,832, A>G on the plus strand (T>C on the coding strand, the complement: TSC1 is on the minus strand). VCF-style: chr9-132928832-A-G. GRCh37 (hg19) VCF-style: chr9-135804219-A-G.
Other names: c.41T>C, p.Leu14Pro (NM_001162426.2, NM_001162427.2, NM_001406592.1 and 21 more transcripts); c.-219T>C (NM_001362177.2, NM_001406617.1, NM_001406619.1 and 3 more transcripts); c.-311T>C (NM_001406614.1); c.-448T>C (NM_001406615.1, NM_001406623.1); c.-415T>C (NM_001406616.1, NM_001406624.1); c.-837T>C (NM_001406626.1, NM_001406627.1, NM_001406628.1); c.-979T>C (NM_001406629.1); c.-1053T>C (NM_001406630.1); and 1 more; short protein forms L14P.
Identifiers: ClinVar variation 2630465 (VCV002630465.1), dbSNP rs2539145316, ClinGen allele CA375375389.

ClinVar aggregate classification (germline): Uncertain significance (1 of 4 stars; one submission).

Conditions:
TSC1-related disorder. Also called: TSC1-related condition.

Submission:

PreventionGenetics, part of Exact Sciences
Classification: Uncertain significance for TSC1-related condition. Last evaluated: 2023-01-24. Review status: criteria provided, single submitter. Criteria: ACMG Guidelines, 2015. Collection method: clinical testing. Allele origin: germline.
Comment: The TSC1 c.41T>C variant is predicted to result in the amino acid substitution p.Leu14Pro. To our knowledge, this variant has not been reported in the literature or in a large population database, indicating this variant is rare. At this time, the clinical significance of this variant is uncertain due to the absence of conclusive functional and genetic evidence.